The following is an entry in ClinVar:

ClinVar aggregate classification (germline): Uncertain significance. Review status: criteria provided, multiple submitters, no conflicts (2 of 4 stars). 6 submissions from 6 submitters: Uncertain significance (6). Last evaluated 2025-10-15.

Conditions:
Juvenile polyposis syndrome (JPS). Identifiers: Orphanet 2929, MedGen C0345893, MONDO:0017380, OMIM 174900.
Hereditary cancer-predisposing syndrome. Also called: Neoplastic Syndromes, Hereditary; Hereditary neoplastic syndrome; Tumor predisposition; Hereditary Cancer Syndrome. Identifiers: Orphanet 140162, MedGen C0027672, MeSH D009386, MONDO:0015356.

Allele frequency attached by ClinVar (database versions not stated): gnomAD 0.00001; gnomAD exomes 0.00001; TOPMed 0.00001; ExAC 0.00002; 1000 Genomes Project 30x 0.00016; 1000 Genomes Project 0.00020.
gnomAD v4.1: 5 of 1,614,182 alleles (0.00031%); highest among the groups gnomAD compares: African/African-American, 0.0027%; no homozygotes.

Submissions (6):

Labcorp Genetics (formerly Invitae), Labcorp
Classification: Uncertain significance for Juvenile polyposis syndrome. Last evaluated: 2025-10-15. Review status: criteria provided, single submitter. Criteria: Invitae Variant Classification Sherloc (09022015). Collection method: clinical testing. Allele origin: germline.
Comment: This sequence change replaces glutamic acid, which is acidic and polar, with lysine, which is basic and polar, at codon 468 of the BMPR1A protein (p.Glu468Lys). This variant is present in population databases (rs199907158, gnomAD 0.0009%). This variant has not been reported in the literature in individuals affected with BMPR1A-related conditions. ClinVar contains an entry for this variant (Variation ID: 529944). Invitae Evidence Modeling of protein sequence and biophysical properties (such as structural, functional, and spatial information, amino acid conservation, physicochemical variation, residue mobility, and thermodynamic stability) has been performed for this missense variant. However, the output from this modeling did not meet the statistical confidence thresholds required to predict the impact of this variant on BMPR1A protein function. In summary, the available evidence is currently insufficient to determine the role of this variant in disease. Therefore, it has been classified as a Variant of Uncertain Significance.

GeneDx
Classification: Uncertain significance. Last evaluated: 2024-11-18. Review status: criteria provided, single submitter. Criteria: GeneDx Variant Classification Process June 2021. Collection method: clinical testing. Allele origin: germline. Affected: yes.
Comment: Not observed at significant frequency in large population cohorts (gnomAD); In silico analysis supports that this missense variant has a deleterious effect on protein structure/function; Observed in an individual with colorectal cancer (PMID: 31317629); This variant is associated with the following publications: (PMID: 32686686, 31317629)

Ambry Genetics
Classification: Uncertain significance for Hereditary cancer-predisposing syndrome. Last evaluated: 2024-06-04. Review status: criteria provided, single submitter. Criteria: Ambry Variant Classification Scheme 2023. Collection method: clinical testing. Allele origin: germline.
Comment: The p.E468K variant (also known as c.1402G>A), located in coding exon 10 of the BMPR1A gene, results from a G to A substitution at nucleotide position 1402. The glutamic acid at codon 468 is replaced by lysine, an amino acid with similar properties. This amino acid position is highly conserved in available vertebrate species. In addition, this alteration is predicted to be deleterious by in silico analysis. Since supporting evidence is limited at this time, the clinical significance of this alteration remains unclear.

All of Us Research Program, National Institutes of Health
Classification: Uncertain significance for Juvenile polyposis syndrome. Last evaluated: 2023-08-15. Review status: criteria provided, single submitter. Criteria: ACMG Guidelines, 2015. Collection method: clinical testing. Allele origin: germline. Inheritance: Autosomal dominant inheritance. Observed: 1 variant allele, 1 heterozygote.
Comment: This missense variant replaces glutamic acid with lysine at codon 468 of the BMPR1A protein. Computational prediction is inconclusive regarding the impact of this variant on protein structure and function (internally defined REVEL score threshold 0.5 < inconclusive < 0.7, PMID: 27666373). To our knowledge, functional studies have not been reported for this variant. This variant has not been reported in individuals affected with BMPR1A-related disorders in the literature. This variant has been identified in 2/251486 chromosomes in the general population by the Genome Aggregation Database (gnomAD). The available evidence is insufficient to determine the role of this variant in disease conclusively. Therefore, this variant is classified as a Variant of Uncertain Significance.

This study involves interpretation of variants in research participants for the purpose of population health screening. Participant phenotype was not available at the time of variant classification. Additional details can be found in publication PMID: 35346344, PMCID: PMC8962531

Color Diagnostics, LLC DBA Color Health
Classification: Uncertain significance for Hereditary cancer-predisposing syndrome. Last evaluated: 2023-08-04. Review status: criteria provided, single submitter. Criteria: ACMG Guidelines, 2015. Collection method: clinical testing. Allele origin: germline.
Comment: This missense variant replaces glutamic acid with lysine at codon 468 of the BMPR1A protein. Computational prediction is inconclusive regarding the impact of this variant on protein structure and function (internally defined REVEL score threshold 0.5 < inconclusive < 0.7, PMID: 27666373). To our knowledge, functional studies have not been reported for this variant. This variant has not been reported in individuals affected with BMPR1A-related disorders in the literature. This variant has been identified in 2/251486 chromosomes in the general population by the Genome Aggregation Database (gnomAD). The available evidence is insufficient to determine the role of this variant in disease conclusively. Therefore, this variant is classified as a Variant of Uncertain Significance.

Sema4
Classification: Uncertain significance for Hereditary cancer-predisposing syndrome. Last evaluated: 2021-11-30. Review status: criteria provided, single submitter. Criteria: Sema4 Curation Guidelines. Collection method: curation. Allele origin: germline.
Comment: To the best of our knowledge, the BMPR1A c.1402G>A (p.E468K) variant has not been reported in individuals with BMPR1A-related disease. It was observed in 1/18394 chromosomes of the East Asian subpopulation in the large and broad cohorts of the Genome Aggregation Database (PMID: 32461654). The variant has been reported in ClinVar (Variation ID 529944). Functional studies have not been performed, and in silico predictions of the variant's effect on protein function are inconclusive. The evidence is insufficient to meet ACMG/AMP criteria for classifying the variant as benign or pathogenic. Thus, the clinical significance of this variant is currently uncertain.

NM_004329.3(BMPR1A):c.1402G>A (p.Glu468Lys)

Gene: BMPR1A (bone morphogenetic protein receptor type 1A; plus strand). Cytogenetic location: 10q23.2.
Variant type: single nucleotide variant.
Coding change: c.1402G>A on transcript NM_004329.3 (MANE Select); coding-DNA position 1402, G replaced by A.
Protein change: p.Glu468Lys; replaces glutamic acid 468 with lysine.
Molecular consequence: missense variant.
Genome position (GRCh38, 1-based): chr10:86,923,435, G>A. VCF-style: chr10-86923435-G-A. GRCh37 (hg19) VCF-style: chr10-88683192-G-A.
Other names: short protein forms E468K.
Identifiers: ClinVar variation 529944 (VCV000529944.19), dbSNP rs199907158, ClinGen allele CA5585711.